The following is an entry in ClinVar:

NM_000038.6(APC):c.1268G>A (p.Trp423Ter)

Gene: APC (APC regulator of Wnt signaling pathway; plus strand). Cytogenetic location: 5q22.2.
Variant type: single nucleotide variant.
Coding change: c.1268G>A on transcript NM_000038.6 (MANE Select); coding-DNA position 1268, G replaced by A.
Protein change: p.Trp423Ter; replaces tryptophan 423 with a stop codon.
Molecular consequence: nonsense.
Genome position (GRCh38, 1-based): chr5:112,819,300, G>A. VCF-style: chr5-112819300-G-A. GRCh37 (hg19) VCF-style: chr5-112154997-G-A.
Other names: c.1268G>A, p.Trp423Ter (NM_001127510.3, NM_001354895.2, NM_001354896.2); c.1214G>A, p.Trp405Ter (NM_001127511.3); c.1298G>A, p.Trp433Ter (NM_001354897.2); c.1193G>A, p.Trp398Ter (NM_001354898.2); c.1184G>A, p.Trp395Ter (NM_001354899.2); c.1091G>A, p.Trp364Ter (NM_001354900.2, NM_001354901.2); c.995G>A, p.Trp332Ter (NM_001354902.2); c.965G>A, p.Trp322Ter (NM_001354903.2); and 3 more; short protein forms W140*, W263*, W332*, W364*, W433*, W297*, W398*, W423*.
Identifiers: ClinVar variation 851219 (VCV000851219.53), dbSNP rs1762865724, ClinGen allele CA16024079.

ClinVar aggregate classification (germline): Pathogenic. Review status: criteria provided, multiple submitters, no conflicts (2 of 4 stars). 4 submissions from 4 submitters: Pathogenic (4). Last evaluated 2025-05-30.

Conditions:
Hereditary cancer-predisposing syndrome. Also called: Tumor predisposition; Neoplastic Syndromes, Hereditary; Hereditary neoplastic syndrome; Hereditary Cancer Syndrome. Identifiers: Orphanet 140162, MedGen C0027672, MeSH D009386, MONDO:0015356.
Familial adenomatous polyposis 1 (FAP1). Also called: FAMILIAL ADENOMATOUS POLYPOSIS 1, ATTENUATED; POLYPOSIS, ADENOMATOUS INTESTINAL. Identifiers: MedGen C2713442, MONDO:0021056, OMIM 175100. Disease mechanism: loss of function.

Submissions (4):

Ambry Genetics
Classification: Pathogenic for Hereditary cancer-predisposing syndrome. Last evaluated: 2025-05-30. Review status: criteria provided, single submitter. Criteria: Ambry Variant Classification Scheme 2023. Collection method: clinical testing. Allele origin: germline.
Comment: The p.W423* pathogenic mutation (also known as c.1268G>A), located in coding exon 9 of the APC gene, results from a G to A substitution at nucleotide position 1268. This changes the amino acid from a tryptophan to a stop codon within coding exon 9. This variant was reported in individual(s) with features consistent with familial adenomatous polyposis (Ambry internal data; Staninova-Stojovska M et al. Balkan J Med Genet. 2019 Dec;22:5-16; Kerr SE et al. J Mol Diagn. 2013 Jan;15:31-43; Friedl W et al. Hered Cancer Clin Pract. 2005 Sep;3:95-114; Giarola M et al. Hum Mutat. 1999;13:116-23). This variant is considered to be rare based on population cohorts in the Genome Aggregation Database (gnomAD). In addition to the clinical data presented in the literature, this alteration is expected to result in loss of function by premature protein truncation or nonsense-mediated mRNA decay. As such, this alteration is interpreted as a disease-causing mutation.

Labcorp Genetics (formerly Invitae), Labcorp
Classification: Pathogenic for Familial adenomatous polyposis 1. Last evaluated: 2023-10-04. Review status: criteria provided, single submitter. Criteria: Invitae Variant Classification Sherloc (09022015). Collection method: clinical testing. Allele origin: germline.
Comment: This sequence change creates a premature translational stop signal (p.Trp423*) in the APC gene. It is expected to result in an absent or disrupted protein product. Loss-of-function variants in APC are known to be pathogenic (PMID: 17963004, 20685668). This variant is not present in population databases (gnomAD no frequency). This premature translational stop signal has been observed in individual(s) with familial adenomatous polyposis (PMID: 10094547, 23159591). ClinVar contains an entry for this variant (Variation ID: 851219). For these reasons, this variant has been classified as Pathogenic.

Myriad Genetics, Inc.
Classification: Pathogenic for Familial adenomatous polyposis 1. Last evaluated: 2023-05-01. Review status: criteria provided, single submitter. Criteria: Myriad Autosomal Dominant, Autosomal Recessive and X-Linked Classification Criteria (2023). Collection method: clinical testing. Allele origin: unknown.
Comment: This variant is considered pathogenic. This variant creates a termination codon and is predicted to result in premature protein truncation.

GeneDx
Classification: Pathogenic. Last evaluated: 2022-06-30. Review status: criteria provided, single submitter. Criteria: GeneDx Variant Classification Process June 2021. Collection method: clinical testing. Allele origin: germline. Affected: yes.
Comment: Nonsense variant predicted to result in protein truncation or nonsense mediated decay in a gene for which loss of function is a known mechanism of disease; Not observed at significant frequency in large population cohorts (gnomAD); This variant is associated with the following publications: (PMID: 25525159, 10094547, 23159591)

Literature cited by the submitters: PubMed 10094547 (cited by Ambry Genetics and Labcorp Genetics (formerly Invitae), Labcorp); PubMed 20223039 (cited by Ambry Genetics); PubMed 23159591 (cited by Ambry Genetics and Labcorp Genetics (formerly Invitae), Labcorp); PubMed 31942411 (cited by Ambry Genetics); PubMed 17963004 (cited by Labcorp Genetics (formerly Invitae), Labcorp); PubMed 20685668 (cited by Labcorp Genetics (formerly Invitae), Labcorp).